The following is an entry in ClinVar:

ClinVar aggregate classification (germline): Conflicting classifications of pathogenicity. Review status: criteria provided, conflicting classifications (1 of 4 stars). 2 submissions from 2 submitters: Uncertain significance (1); Likely benign (1). Last evaluated 2023-03-23.

Conditions:
Hereditary cancer-predisposing syndrome. Also called: Hereditary neoplastic syndrome; Tumor predisposition; Neoplastic Syndromes, Hereditary; Hereditary Cancer Syndrome. Identifiers: Orphanet 140162, MedGen C0027672, MeSH D009386, MONDO:0015356.
Hereditary breast ovarian cancer syndrome. Also called: Hereditary breast and ovarian cancer syndrome; Breast and ovarian cancer; Hereditary breast and ovarian cancer; Hereditary breast and/or ovarian cancer syndrome; Hereditary breast and ovarian cancer syndrome (HBOC); BRCA1- and BRCA2-Associated Hereditary Breast and Ovarian Cancer. Identifiers: Orphanet 145, MedGen C0677776, MeSH D061325, MONDO:0003582. Disease mechanism: loss of function.

Allele frequency attached by ClinVar (database versions not stated): gnomAD exomes 0.00001.

Submissions (2):

University of Washington Department of Laboratory Medicine, University of Washington
Classification: Likely benign for Hereditary cancer-predisposing syndrome. Last evaluated: 2023-03-23. Review status: criteria provided, single submitter. Criteria: Dines et al. (Genet Med. 2020). Collection method: curation. Allele origin: germline.
Comment: Missense variant in a coldspot region where missense variants are very unlikely to be pathogenic (PMID:31911673).

BRCA1 coldspot (exon 11 using historical exon numbering). Reclassification based on statistical prior probability

Labcorp Genetics (formerly Invitae), Labcorp
Classification: Uncertain significance for Hereditary breast ovarian cancer syndrome. Last evaluated: 2018-01-24. Review status: criteria provided, single submitter. Criteria: Invitae Variant Classification Sherloc (09022015). Collection method: clinical testing. Allele origin: germline.
Comment: In summary, the available evidence is currently insufficient to determine the role of this variant in disease. Therefore, it has been classified as a Variant of Uncertain Significance. Algorithms developed to predict the effect of missense changes on protein structure and function output the following: SIFT: "Tolerated"; PolyPhen-2: "Benign"; Align-GVGD: "Class C0". The glycine amino acid residue is found in multiple mammalian species, suggesting that this missense change does not adversely affect protein function. These predictions have not been confirmed by published functional studies and their clinical significance is uncertain. This variant has not been reported in the literature in individuals with BRCA1-related disease. This variant is not present in population databases (ExAC no frequency). This sequence change replaces aspartic acid with glycine at codon 1169 of the BRCA1 protein (p.Asp1169Gly). The aspartic acid residue is moderately conserved and there is a moderate physicochemical difference between aspartic acid and glycine.

NM_007294.4(BRCA1):c.3506A>G (p.Asp1169Gly)

Genes: BRCA1 (BRCA1 DNA repair associated; minus strand), LOC126862571 (BRD4-independent group 4 enhancer GRCh37_chr17:41243136-41244335; plus strand). Cytogenetic location: 17q21.31.
Variant type: single nucleotide variant.
Coding change: c.3506A>G on transcript NM_007294.4 (MANE Select); coding-DNA position 3506, A replaced by G.
Protein change: p.Asp1169Gly; replaces aspartic acid 1169 with glycine.
Molecular consequence: missense variant. On other transcripts: intron variant (135).
Genome position (GRCh38, 1-based): chr17:43,092,025, T>C on the plus strand (A>G on the coding strand, the complement: BRCA1 is on the minus strand). VCF-style: chr17-43092025-T-C. GRCh37 (hg19) VCF-style: chr17-41244042-T-C.
Other names: c.3380A>G, p.Asp1127Gly (NM_001407941.1, NM_001407649.1, NM_001407670.1 and 11 more transcripts); c.3365A>G, p.Asp1122Gly (NM_001407942.1, NM_001407944.1, NM_001407945.1 and 29 more transcripts); c.3173A>G, p.Asp1058Gly (NM_001407946.1, NM_001407947.1, NM_001407948.1 and 6 more transcripts); c.3362A>G, p.Asp1121Gly (NM_001407943.1, NM_001407964.1, NM_001407740.1 and 20 more transcripts); c.3170A>G, p.Asp1057Gly (NM_001407954.1, NM_001407955.1, NM_001407956.1 and 1 more transcripts); c.3125A>G, p.Asp1042Gly (NM_001407959.1, NM_001407960.1, NM_001407963.1); c.3122A>G, p.Asp1041Gly (NM_001407962.1); c.3002A>G, p.Asp1001Gly (NM_001407965.1); and 41 more; short protein forms D1169G, D1122G, D1041G, D1042G, D1101G, D1102G, D1142G, D1166G.
Identifiers: ClinVar variation 571624 (VCV000571624.12), dbSNP rs1323940169, ClinGen allele CA10594959.